The following is an entry in ClinVar:

GRCh38/hg38 10q25.1(chr10:108680957-109329708)x1

Genes: LINC02661 (long intergenic non-protein coding RNA 2661; plus strand), LOC126861035 (BRD4-independent group 4 enhancer GRCh37_chr10:110800740-110801939; plus strand), LOC132089879 (Neanderthal introgressed variant-containing enhancer experimental_9735; plus strand), LOC132089880 (Neanderthal introgressed variant-containing enhancer experimental_9749; plus strand), LOC132089881 (Neanderthal introgressed variant-containing enhancer experimental_9758; plus strand) and 4 more. Cytogenetic location: 10q25.1.
Variant type: copy number loss.
Change: copy number 1 (one copy instead of two) of chr10:108,680,957-109,329,708 (648.8 kb, GRCh38 coordinates, 1-based), cytogenetic band 10q25.1.
Identifiers: ClinVar variation 160996 (VCV000160996.1).

ClinVar aggregate classification (germline): Uncertain significance (1 of 4 stars; one submission).

Submission:

ISCA site 4
Classification: Uncertain significance. Last evaluated: 2011-08-12. Review status: criteria provided, single submitter. Criteria: Kaminsky et al. (Genet Med. 2011). Collection method: clinical testing. Allele origin: unknown. Affected: yes. Observed: 1 variant allele.
Comment: Copy number variation identified through the course of routine clinical cytogenomic testing in postnatal populations. Clinical assertions have been curated as described in Kaminsky et al. 2011.